The following is an entry in ClinVar:

ClinVar aggregate classification (germline): Uncertain significance. Review status: criteria provided, multiple submitters, no conflicts (2 of 4 stars). 2 submissions from 2 submitters: Uncertain significance (2). Last evaluated 2023-12-08.

Conditions:
Primary ciliary dyskinesia. Also called: Ciliary dyskinesia. Identifiers: Orphanet 244, MedGen C0008780, MONDO:0016575, HP:0012265.

Allele frequency attached by ClinVar (database versions not stated): ExAC 0.00003; gnomAD 0.00004 and 0.00005; gnomAD exomes 0.00004 and 0.00005; TOPMed 0.00006; ESP Exome Variant Server 0.00008; 1000 Genomes Project 30x 0.00016; 1000 Genomes Project 0.00020.
gnomAD v4.1: 84 of 1,613,836 alleles (0.0052%); highest among the groups gnomAD compares: Admixed American, 0.012%; no homozygotes.

Submissions (2):

Ambry Genetics
Classification: Uncertain significance. Last evaluated: 2023-12-08. Review status: criteria provided, single submitter. Criteria: Ambry Variant Classification Scheme 2023. Collection method: clinical testing. Allele origin: germline.

Labcorp Genetics (formerly Invitae), Labcorp
Classification: Uncertain significance for Primary ciliary dyskinesia. Last evaluated: 2022-08-22. Review status: criteria provided, single submitter. Criteria: Invitae Variant Classification Sherloc (09022015). Collection method: clinical testing. Allele origin: germline.
Comment: This sequence change replaces asparagine, which is neutral and polar, with serine, which is neutral and polar, at codon 1833 of the DNAH8 protein (p.Asn1833Ser). This variant is present in population databases (rs143128496, gnomAD 0.008%). This variant has not been reported in the literature in individuals affected with DNAH8-related conditions. ClinVar contains an entry for this variant (Variation ID: 1439122). Algorithms developed to predict the effect of missense changes on protein structure and function are either unavailable or do not agree on the potential impact of this missense change (SIFT: "Tolerated"; PolyPhen-2: "Not Available"; Align-GVGD: "Class C0"). Algorithms developed to predict the effect of sequence changes on RNA splicing suggest that this variant may create or strengthen a splice site. In summary, the available evidence is currently insufficient to determine the role of this variant in disease. Therefore, it has been classified as a Variant of Uncertain Significance.

NM_001206927.2(DNAH8):c.5498A>G (p.Asn1833Ser)

Gene: DNAH8 (dynein axonemal heavy chain 8; plus strand). Cytogenetic location: 6p21.2.
Variant type: single nucleotide variant.
Coding change: c.5498A>G on transcript NM_001206927.2 (MANE Select); coding-DNA position 5498, A replaced by G.
Protein change: p.Asn1833Ser; replaces asparagine 1833 with serine.
Molecular consequence: missense variant.
Genome position (GRCh38, 1-based): chr6:38,852,725, A>G. VCF-style: chr6-38852725-A-G. GRCh37 (hg19) VCF-style: chr6-38820501-A-G.
Other names: c.5498A>G (NM_001206927.1); c.4847A>G, p.Asn1616Ser (NM_001371.4); short protein forms N1833S, N1616S.
Identifiers: ClinVar variation 1439122 (VCV001439122.6), dbSNP rs143128496, ClinGen allele CA3789395.